The following is an entry in ClinVar:

ClinVar aggregate classification (germline): Uncertain significance. Review status: criteria provided, multiple submitters, no conflicts (2 of 4 stars). 2 submissions from 2 submitters: Uncertain significance (2). Last evaluated 2024-10-30.

gnomAD v4.1: 2 of 1,614,176 alleles (0.00012%); highest among the groups gnomAD compares: Non-Finnish European, 0.00017%; no homozygotes.

Submissions (2):

Labcorp Genetics (formerly Invitae), Labcorp
Classification: Uncertain significance. Last evaluated: 2024-10-30. Review status: criteria provided, single submitter. Criteria: Invitae Variant Classification Sherloc (09022015). Collection method: clinical testing. Allele origin: germline.
Comment: This sequence change replaces alanine, which is neutral and non-polar, with valine, which is neutral and non-polar, at codon 169 of the ARCN1 protein (p.Ala169Val). This variant is not present in population databases (gnomAD no frequency). This variant has not been reported in the literature in individuals affected with ARCN1-related conditions. An algorithm developed to predict the effect of missense changes on protein structure and function (PolyPhen-2) suggests that this variant is likely to be tolerated. In summary, the available evidence is currently insufficient to determine the role of this variant in disease. Therefore, it has been classified as a Variant of Uncertain Significance.

Blueprint Genetics
Classification: Uncertain significance. Last evaluated: 2022-04-25. Review status: criteria provided, single submitter. Criteria: ACMG Guidelines, 2015. Collection method: clinical testing. Allele origin: germline.

NM_001655.5(ARCN1):c.506C>T (p.Ala169Val)

Gene: ARCN1 (archain 1 coat protein complex I subunit delta; plus strand). Cytogenetic location: 11q23.3.
Variant type: single nucleotide variant.
Coding change: c.506C>T on transcript NM_001655.5 (MANE Select); coding-DNA position 506, C replaced by T.
Protein change: p.Ala169Val; replaces alanine 169 with valine.
Molecular consequence: missense variant. On other transcripts: non-coding transcript variant (2).
Genome position (GRCh38, 1-based): chr11:118,583,867, C>T. VCF-style: chr11-118583867-C-T. GRCh37 (hg19) VCF-style: chr11-118454582-C-T.
Other names: c.242C>T, p.Ala81Val (NM_001142281.2, NM_001425081.1); c.506C>T, p.Ala169Val (NM_001425073.1, NM_001425077.1, NM_001425078.1); c.503C>T, p.Ala168Val (NM_001425074.1, NM_001425079.1); c.449C>T, p.Ala150Val (NM_001425075.1); c.437C>T, p.Ala146Val (NM_001425076.1); c.62C>T, p.Ala21Val (NM_001425080.1); short protein forms A146V, A150V, A168V, A81V, A169V, A21V.
Identifiers: ClinVar variation 3683912 (VCV003683912.3).
Genomic context (GRCh38, chr11:118,583,867, plus strand): 5'-AGACTCAAGAACGTGAAGCTAAGGCTGAGATGCGTCGTAAAGCAAAGGAATTACAACAGG[C>T]CCGAAGAGATGCAGAGAGACAGGGCAAAAAAGCACCAGGATTTGGCGGATTTGGCAGCTC-3'
Protein context (NP_001646.2, residues 159-179): MRRKAKELQQ[Ala169Val]RRDAERQGKK